The following is an entry in ClinVar:

ClinVar aggregate classification (germline): Pathogenic (1 of 4 stars; one submission).

Conditions:
Polycystic kidney disease 4 (PKD4). Also called: POLYCYSTIC KIDNEY AND HEPATIC DISEASE 1; POLYCYSTIC KIDNEY DISEASE, INFANTILE, TYPE I; POLYCYSTIC KIDNEY DISEASE 4 WITH OR WITHOUT POLYCYSTIC LIVER DISEASE; PKD3; Autosomal Recessive Polycystic Kidney Disease – PKHD1. Identifiers: MedGen C4540575, MONDO:0033004, OMIM 263200.

Submission:

Myriad Genetics, Inc.
Classification: Pathogenic for Polycystic kidney disease 4. Last evaluated: 2023-09-27. Review status: criteria provided, single submitter. Criteria: Myriad Autosomal Dominant, Autosomal Recessive and X-Linked Classification Criteria (2023). Collection method: clinical testing. Allele origin: unknown.
Comment: NM_138694.3(PKHD1):c.2340dupA(R781Tfs*18) is expected to be pathogenic in the context of autosomal recessive polycystic kidney disease, PKHD1-related. This variant is predicted to lead to an abnormal or absent protein product due to the creation of a premature termination codon in PKHD1, a gene where loss-of-function variants are known to be pathogenic. Please note: this variant was assessed in the context of healthy population screening.

NM_138694.4(PKHD1):c.2340dup (p.Arg781fs)

Gene: PKHD1 (PKHD1 ciliary IPT domain containing fibrocystin/polyductin; minus strand). Cytogenetic location: 6p12.2.
Variant type: Duplication.
Coding change: c.2340dup on transcript NM_138694.4 (MANE Select); coding-DNA position 2340, one base duplicated (A; older notation c.2340dupA).
Protein change: p.Arg781fs; shifts the reading frame from arginine 781.
Molecular consequence: frameshift variant.
Genome position (GRCh38, 1-based): chr6:52,048,559, T duplicated on the plus strand (A on the coding strand, the reverse complement: PKHD1 is on the minus strand). VCF-style (leftmost placement, unchanged base first): chr6-52048558-G-GT. GRCh37 (hg19) VCF-style: chr6-51913356-G-GT.
Other names: c.2340dup, p.Arg781fs (NM_170724.3); short protein forms R781fs.
Identifiers: ClinVar variation 5012225 (VCV005012225.1).